The following is an entry in ClinVar:

NC_000023.10:g.(?_107868915)_(107869044_?)del

Gene: COL4A5 (collagen type IV alpha 5 chain; plus strand). Cytogenetic location: Xq22.3.
Variant type: Deletion.
Identifiers: ClinVar variation 1459185 (VCV001459185.4).

ClinVar aggregate classification (germline): Pathogenic (1 of 4 stars; one submission).

Submission:

Labcorp Genetics (formerly Invitae), Labcorp
Classification: Pathogenic. Last evaluated: 2021-07-24. Review status: criteria provided, single submitter. Criteria: Invitae Variant Classification Sherloc (09022015). Collection method: clinical testing. Allele origin: germline.
Comment: For these reasons, this variant has been classified as Pathogenic. This variant disrupts the triple helix domain of COL4A5. Glycine residues within the Gly-Xaa-Yaa repeats of the triple helix domain are required for the structure and stability of fibrillar collagens (PMID: 7695699, 8218237, 19344236). In COL4A5, missense variants at these glycine residues are significantly enriched in individuals with disease (PMID: 23720012, 27627812) compared to the general population (ExAC). This variant has not been reported in the literature in individuals affected with COL4A5-related conditions. This variant is a gross deletion of the genomic region encompassing exon(s) 35 of the COL4A5 gene. This variant would be expected to be in-frame, preserving the integrity of the reading frame.

Literature cited by the submitters: PubMed 7695699; PubMed 8218237; PubMed 19344236; PubMed 23720012; PubMed 27627812.